The following is an entry in ClinVar:

ClinVar aggregate classification (germline): Uncertain significance (1 of 4 stars; one submission).

Conditions:
Spermatogenic failure 18. Identifiers: MedGen C4539783, MONDO:0054615, OMIM 617576.
Ciliary dyskinesia, primary, 37 (CILD37). Also called: CILIARY DYSKINESIA, PRIMARY, 37, WITH OR WITHOUT SITUS INVERSUS. Identifiers: MedGen C4539798, MONDO:0033204, OMIM 617577.

Allele frequency attached by ClinVar (database versions not stated): gnomAD exomes below 0.00001.
gnomAD v4.1: 2 of 1,570,914 alleles (0.00013%); highest among the groups gnomAD compares: South Asian, 0.0012%; no homozygotes.

Submission:

Labcorp Genetics (formerly Invitae), Labcorp
Classification: Uncertain significance for Ciliary dyskinesia, primary, 37; Spermatogenic failure 18. Last evaluated: 2023-11-18. Review status: criteria provided, single submitter. Criteria: Invitae Variant Classification Sherloc (09022015). Collection method: clinical testing. Allele origin: germline.
Comment: This sequence change replaces asparagine, which is neutral and polar, with lysine, which is basic and polar, at codon 1457 of the DNAH1 protein (p.Asn1457Lys). The frequency data for this variant in the population databases is considered unreliable, as metrics indicate poor data quality at this position in the gnomAD database. This variant has not been reported in the literature in individuals affected with DNAH1-related conditions. Advanced modeling of protein sequence and biophysical properties (such as structural, functional, and spatial information, amino acid conservation, physicochemical variation, residue mobility, and thermodynamic stability) performed at Invitae indicates that this missense variant is not expected to disrupt DNAH1 protein function with a negative predictive value of 80%. In summary, the available evidence is currently insufficient to determine the role of this variant in disease. Therefore, it has been classified as a Variant of Uncertain Significance.

NM_015512.5(DNAH1):c.4371C>A (p.Asn1457Lys)

Gene: DNAH1 (dynein axonemal heavy chain 1; plus strand). Cytogenetic location: 3p21.1.
Variant type: single nucleotide variant.
Coding change: c.4371C>A on transcript NM_015512.5 (MANE Select); coding-DNA position 4371, C replaced by A.
Protein change: p.Asn1457Lys; replaces asparagine 1457 with lysine.
Molecular consequence: missense variant.
Genome position (GRCh38, 1-based): chr3:52,359,350, C>A. VCF-style: chr3-52359350-C-A. GRCh37 (hg19) VCF-style: chr3-52393366-C-A.
Other names: short protein forms N1457K.
Identifiers: ClinVar variation 2939639 (VCV002939639.3), dbSNP rs1437607164, ClinGen allele CA353127388.
Genomic context (GRCh38, chr3:52,359,350, plus strand): 5'-CATCGCTGGGTGCCAGACCTACTGGACCATGGAGGTGGCAGAGGCTCTGGAGGCCGGCAA[C>A]CTCAGAAGCCAACTGTTCCCCCAGCTCTGCCAGCAGGTTGGAGTCAAGAGGACCCCTGTC-3'
Protein context (NP_056327.4, residues 1447-1467): MEVAEALEAG[Asn1457Lys]LRSQLFPQLC